The following is an entry in ClinVar:

NM_001130438.3(SPTAN1):c.418G>T (p.Glu140Ter)

Gene: SPTAN1 (spectrin alpha, non-erythrocytic 1; plus strand). Cytogenetic location: 9q34.11.
Variant type: single nucleotide variant.
Coding change: c.418G>T on transcript NM_001130438.3 (MANE Select); coding-DNA position 418, G replaced by T.
Protein change: p.Glu140Ter; replaces glutamic acid 140 with a stop codon.
Molecular consequence: nonsense.
Genome position (GRCh38, 1-based): chr9:128,574,729, G>T. VCF-style: chr9-128574729-G-T. GRCh37 (hg19) VCF-style: chr9-131337008-G-T.
Other names: c.418G>T, p.Glu140Ter (NM_001195532.2, NM_001363759.2, NM_001363765.2 and 5 more transcripts); c.454G>T, p.Glu152Ter (NM_001375318.1, NM_001375312.2); short protein forms E140*, E152*.
Identifiers: ClinVar variation 1212398 (VCV001212398.3), dbSNP rs2130965618, ClinGen allele CA375052514.

ClinVar aggregate classification (germline): Uncertain significance (1 of 4 stars; one submission).

Submission:

GeneDx
Classification: Uncertain significance. Last evaluated: 2019-05-31. Review status: criteria provided, single submitter. Criteria: GeneDx Variant Classification Process June 2021. Collection method: clinical testing. Allele origin: germline. Affected: yes.
Comment: Not observed in large population cohorts (Lek et al., 2016); Nonsense variant predicted to result in protein truncation or nonsense mediated decay in a gene for which loss-of-function is not a known mechanism of disease; Has not been previously published as pathogenic or benign to our knowledge